The following is an entry in ClinVar:

NM_152703.5(SAMD9L):c.4507A>G (p.Thr1503Ala)

Gene: SAMD9L (sterile alpha motif domain containing 9 like; minus strand). Cytogenetic location: 7q21.2.
Variant type: single nucleotide variant.
Coding change: c.4507A>G on transcript NM_152703.5 (MANE Select); coding-DNA position 4507, A replaced by G.
Protein change: p.Thr1503Ala; replaces threonine 1503 with alanine.
Molecular consequence: missense variant.
Genome position (GRCh38, 1-based): chr7:93,131,465, T>C on the plus strand (A>G on the coding strand, the complement: SAMD9L is on the minus strand). VCF-style: chr7-93131465-T-C. GRCh37 (hg19) VCF-style: chr7-92760778-T-C.
Other names: c.4507A>G, p.Thr1503Ala (NM_001303497.3, NM_001303498.3, NM_001303500.3 and 5 more transcripts); short protein forms T1503A.
Identifiers: ClinVar variation 4159339 (VCV004159339.1).

ClinVar aggregate classification (germline): Uncertain significance (1 of 4 stars; one submission).

Conditions:
Inborn genetic diseases. Identifiers: MedGen C0950123, MeSH D030342.

Submission:

Ambry Genetics
Classification: Uncertain significance for Inborn genetic diseases. Last evaluated: 2025-07-17. Review status: criteria provided, single submitter. Criteria: Ambry Variant Classification Scheme 2023. Collection method: clinical testing. Allele origin: germline.
Comment: The p.T1503A variant (also known as c.4507A>G), located in coding exon 1 of the SAMD9L gene, results from an A to G substitution at nucleotide position 4507. The threonine at codon 1503 is replaced by alanine, an amino acid with similar properties. This amino acid position is conserved. In addition, this alteration is predicted to be tolerated by in silico analysis. Based on the available evidence, the clinical significance of this variant remains unclear.